The following is an entry in ClinVar:

ClinVar aggregate classification (germline): Likely benign (0 of 4 stars; one submission).

Conditions:
USP54-related disorder. Also called: USP54-related condition.

Allele frequency attached by ClinVar (database versions not stated): gnomAD exomes 0.00013; ExAC 0.00024; TOPMed 0.00057; gnomAD 0.00063; 1000 Genomes Project 30x 0.00156; 1000 Genomes Project 0.00180.
gnomAD v4.1: 275 of 1,374,126 alleles (0.02%); highest among the groups gnomAD compares: African/African-American, 0.22%; 2 homozygotes.

Submission:

PreventionGenetics, part of Exact Sciences
Classification: Likely benign for USP54-related condition. Last evaluated: 2022-11-11. Review status: no assertion criteria provided. Collection method: clinical testing. Allele origin: germline.
Comment: This variant is classified as likely benign based on ACMG/AMP sequence variant interpretation guidelines (Richards et al. 2015 PMID: 25741868, with internal and published modifications).

NM_001391956.1(USP54):c.2060+93G>C

Genes: USP54 (ubiquitin specific peptidase 54; minus strand), LOC121815949 (Sharpr-MPRA regulatory region 13746; plus strand). Cytogenetic location: 10q22.2.
Variant type: single nucleotide variant.
Coding change: c.2060+93G>C on transcript NM_001391956.1 (MANE Select); 93 bases into the intron after coding-DNA position 2060, G replaced by C.
Molecular consequence: intron variant. On other transcripts: missense variant (1).
Genome position (GRCh38, 1-based): chr10:73,529,587, C>G on the plus strand (G>C on the coding strand, the complement: USP54 is on the minus strand). VCF-style: chr10-73529587-C-G. GRCh37 (hg19) VCF-style: chr10-75289345-C-G.
Other names: c.2153G>C, p.Gly718Ala (NM_001320441.2); c.1610+93G>C (NM_001391951.1); c.1889+93G>C (NM_001391942.1, NM_001391947.1, NM_001391948.1 and 10 more transcripts); c.2060+93G>C (NM_001391949.1, NM_152586.4, NM_001391952.1 and 1 more transcripts); c.2126+93G>C (NM_001391941.1); short protein forms G718A.
Identifiers: ClinVar variation 3045474 (VCV003045474.2), dbSNP rs149339241, ClinGen allele CA5556373.